The following is an entry in ClinVar:

ClinVar aggregate classification (germline): Uncertain significance (1 of 4 stars; one submission).

Conditions:
Charcot-Marie-Tooth disease dominant intermediate B (CMTDIB). Also called: Charcot-Marie-Tooth disease dominant intermediate 1; CMT DI1; Charcot-Marie-Tooth disease dominant intermediate I; CHARCOT-MARIE-TOOTH NEUROPATHY, DOMINANT INTERMEDIATE B. Identifiers: Orphanet 100044, Orphanet 228179, MedGen C1847902, MONDO:0011674, OMIM 606482.

Submission:

Labcorp Genetics (formerly Invitae), Labcorp
Classification: Uncertain significance for Charcot-Marie-Tooth disease dominant intermediate B. Last evaluated: 2025-01-07. Review status: criteria provided, single submitter. Criteria: Invitae Variant Classification Sherloc (09022015). Collection method: clinical testing. Allele origin: germline.
Comment: This sequence change replaces aspartic acid, which is acidic and polar, with glycine, which is neutral and non-polar, at codon 599 of the DNM2 protein (p.Asp599Gly). This variant is not present in population databases (gnomAD no frequency). This variant has not been reported in the literature in individuals affected with DNM2-related conditions. Invitae Evidence Modeling of protein sequence and biophysical properties (such as structural, functional, and spatial information, amino acid conservation, physicochemical variation, residue mobility, and thermodynamic stability) has been performed for this missense variant. However, the output from this modeling did not meet the statistical confidence thresholds required to predict the impact of this variant on DNM2 protein function. In summary, the available evidence is currently insufficient to determine the role of this variant in disease. Therefore, it has been classified as a Variant of Uncertain Significance.

NM_001005361.3(DNM2):c.1796A>G (p.Asp599Gly)

Gene: DNM2 (dynamin 2; plus strand). Cytogenetic location: 19p13.2.
Variant type: single nucleotide variant.
Coding change: c.1796A>G on transcript NM_001005361.3 (MANE Select); coding-DNA position 1796, A replaced by G.
Protein change: p.Asp599Gly; replaces aspartic acid 599 with glycine.
Molecular consequence: missense variant.
Genome position (GRCh38, 1-based): chr19:10,823,802, A>G. VCF-style: chr19-10823802-A-G. GRCh37 (hg19) VCF-style: chr19-10934478-A-G.
Other names: c.1796A>G, p.Asp599Gly (NM_001005360.3, NM_001190716.2); c.1784A>G, p.Asp595Gly (NM_001005362.3, NM_004945.4); short protein forms D595G, D599G.
Identifiers: ClinVar variation 3658377 (VCV003658377.2).